The following is an entry in ClinVar:

NM_014727.3(KMT2B):c.7879G>A (p.Gly2627Arg)

Gene: KMT2B (lysine methyltransferase 2B; plus strand). Cytogenetic location: 19q13.12.
Variant type: single nucleotide variant.
Coding change: c.7879G>A on transcript NM_014727.3 (MANE Select); coding-DNA position 7879, G replaced by A.
Protein change: p.Gly2627Arg; replaces glycine 2627 with arginine.
Molecular consequence: missense variant.
Genome position (GRCh38, 1-based): chr19:35,738,288, G>A. VCF-style: chr19-35738288-G-A. GRCh37 (hg19) VCF-style: chr19-36229189-G-A.
Other names: short protein forms G2627R.
Identifiers: ClinVar variation 1304511 (VCV001304511.2), dbSNP rs2146482886, ClinGen allele CA405439931.

ClinVar aggregate classification (germline): Uncertain significance (1 of 4 stars; one submission).

Submission:

GeneDx
Classification: Uncertain significance. Last evaluated: 2019-12-20. Review status: criteria provided, single submitter. Criteria: GeneDx Variant Classification Process June 2021. Collection method: clinical testing. Allele origin: germline. Affected: yes.
Comment: Not observed in large population cohorts (Lek et al., 2016); In silico analysis, which includes protein predictors and evolutionary conservation, supports a deleterious effect; Has not been previously published as pathogenic or benign to our knowledge